The following is an entry in ClinVar:

NM_000553.6(WRN):c.1475C>T (p.Ser492Phe)

Gene: WRN (WRN RecQ like helicase; plus strand). Cytogenetic location: 8p12.
Variant type: single nucleotide variant.
Coding change: c.1475C>T on transcript NM_000553.6 (MANE Select); coding-DNA position 1475, C replaced by T.
Protein change: p.Ser492Phe; replaces serine 492 with phenylalanine.
Molecular consequence: missense variant.
Genome position (GRCh38, 1-based): chr8:31,087,819, C>T. VCF-style: chr8-31087819-C-T. GRCh37 (hg19) VCF-style: chr8-30945335-C-T.
Other names: short protein forms S492F.
Identifiers: ClinVar variation 968358 (VCV000968358.6), dbSNP rs766910166, ClinGen allele CA4704382.

ClinVar aggregate classification (germline): Uncertain significance (1 of 4 stars; one submission).

Conditions:
Werner syndrome (WRN). Identifiers: Orphanet 902, MedGen C0043119, MONDO:0010196, OMIM 277700.

Allele frequency attached by ClinVar (database versions not stated): gnomAD exomes 0.00001; ExAC 0.00002.
gnomAD v4.1: 4 of 1,613,560 alleles (0.00025%); highest among the groups gnomAD compares: Non-Finnish European, 0.00034%; no homozygotes.

Submission:

Labcorp Genetics (formerly Invitae), Labcorp
Classification: Uncertain significance for Werner syndrome. Last evaluated: 2023-09-26. Review status: criteria provided, single submitter. Criteria: Invitae Variant Classification Sherloc (09022015). Collection method: clinical testing. Allele origin: germline.
Comment: In summary, the available evidence is currently insufficient to determine the role of this variant in disease. Therefore, it has been classified as a Variant of Uncertain Significance. An algorithm developed to predict the effect of missense changes on protein structure and function (PolyPhen-2) suggests that this variant is likely to be disruptive. ClinVar contains an entry for this variant (Variation ID: 968358). This variant has not been reported in the literature in individuals affected with WRN-related conditions. This variant is present in population databases (rs766910166, gnomAD 0.002%). This sequence change replaces serine, which is neutral and polar, with phenylalanine, which is neutral and non-polar, at codon 492 of the WRN protein (p.Ser492Phe).